The following is an entry in ClinVar:

NM_198576.4(AGRN):c.3974C>G (p.Ala1325Gly)

Gene: AGRN (agrin; plus strand). Cytogenetic location: 1p36.33.
Variant type: single nucleotide variant.
Coding change: c.3974C>G on transcript NM_198576.4 (MANE Select); coding-DNA position 3974, C replaced by G.
Protein change: p.Ala1325Gly; replaces alanine 1325 with glycine.
Molecular consequence: missense variant.
Genome position (GRCh38, 1-based): chr1:1,048,234, C>G. VCF-style: chr1-1048234-C-G. GRCh37 (hg19) VCF-style: chr1-983614-C-G.
Other names: c.3974C>G, p.Ala1325Gly (NM_001305275.2); c.3659C>G, p.Ala1220Gly (NM_001364727.2); short protein forms A1325G, A1220G.
Identifiers: ClinVar variation 541171 (VCV000541171.9), dbSNP rs745406424, ClinGen allele CA337853205.

ClinVar aggregate classification (germline): Uncertain significance. Review status: criteria provided, multiple submitters, no conflicts (2 of 4 stars). 2 submissions from 2 submitters: Uncertain significance (2). Last evaluated 2025-04-12.

Conditions:
Inborn genetic diseases. Identifiers: MedGen C0950123, MeSH D030342.
Congenital myasthenic syndrome 8. Also called: MYASTHENIC SYNDROME, CONGENITAL, DUE TO AGRIN DEFICIENCY; Myasthenic syndrome, congenital, 8, with pre- and postsynaptic defects. Identifiers: Orphanet 590, MedGen C3808739, MONDO:0014052, OMIM 615120.

Submissions (2):

Ambry Genetics
Classification: Uncertain significance for Inborn genetic diseases. Last evaluated: 2025-04-12. Review status: criteria provided, single submitter. Criteria: Ambry Variant Classification Scheme 2023. Collection method: clinical testing. Allele origin: germline.

Labcorp Genetics (formerly Invitae), Labcorp
Classification: Uncertain significance for Congenital myasthenic syndrome 8. Last evaluated: 2022-07-17. Review status: criteria provided, single submitter. Criteria: Invitae Variant Classification Sherloc (09022015). Collection method: clinical testing. Allele origin: germline.
Comment: This sequence change replaces alanine, which is neutral and non-polar, with glycine, which is neutral and non-polar, at codon 1325 of the AGRN protein (p.Ala1325Gly). This variant is not present in population databases (gnomAD no frequency). This variant has not been reported in the literature in individuals affected with AGRN-related conditions. ClinVar contains an entry for this variant (Variation ID: 541171). Algorithms developed to predict the effect of missense changes on protein structure and function output the following: SIFT: "Tolerated"; PolyPhen-2: "Benign"; Align-GVGD: "Class C0". The glycine amino acid residue is found in multiple mammalian species, which suggests that this missense change does not adversely affect protein function. In summary, the available evidence is currently insufficient to determine the role of this variant in disease. Therefore, it has been classified as a Variant of Uncertain Significance.